The following is an entry in ClinVar:

NM_006231.4(POLE):c.286-14G>C

Gene: POLE (DNA polymerase epsilon, catalytic subunit; minus strand). Cytogenetic location: 12q24.33.
Variant type: single nucleotide variant.
Coding change: c.286-14G>C on transcript NM_006231.4 (MANE Select); 14 bases into the intron before coding-DNA position 286, G replaced by C.
Molecular consequence: intron variant.
Genome position (GRCh38, 1-based): chr12:132,680,236, C>G on the plus strand (G>C on the coding strand, the complement: POLE is on the minus strand). VCF-style: chr12-132680236-C-G. GRCh37 (hg19) VCF-style: chr12-133256822-C-G.
Identifiers: ClinVar variation 383317 (VCV000383317.8), dbSNP rs373822280, ClinGen allele CA6894374.

ClinVar aggregate classification (germline): Likely benign. Review status: criteria provided, multiple submitters, no conflicts (2 of 4 stars). 2 submissions from 2 submitters: Likely benign (2). Last evaluated 2026-02-03.

Allele frequency attached by ClinVar (database versions not stated): gnomAD 0.00001; gnomAD exomes 0.00001; TOPMed 0.00001; ExAC 0.00002; ESP Exome Variant Server 0.00008.

Submissions (2):

Labcorp Genetics (formerly Invitae), Labcorp
Classification: Likely benign. Last evaluated: 2026-02-03. Review status: criteria provided, single submitter. Criteria: Invitae Variant Classification Sherloc (09022015). Collection method: clinical testing. Allele origin: germline.

GeneDx
Classification: Likely benign. Last evaluated: 2016-11-29. Review status: criteria provided, single submitter. Criteria: GeneDx Variant Classification (06012015). Collection method: clinical testing. Allele origin: germline. Affected: yes.
Comment: This variant is considered likely benign or benign based on one or more of the following criteria: it is a conservative change, it occurs at a poorly conserved position in the protein, it is predicted to be benign by multiple in silico algorithms, and/or has population frequency not consistent with disease.